The following is an entry in ClinVar:

ClinVar aggregate classification (germline): Uncertain significance (1 of 4 stars; one submission).

Conditions:
Baller-Gerold syndrome (BGS). Also called: CRANIOSYNOSTOSIS WITH RADIAL DEFECTS. Identifiers: Orphanet 1225, MedGen C0265308, MONDO:0009039, OMIM 218600.

Allele frequency attached by ClinVar (database versions not stated): gnomAD exomes below 0.00001.
gnomAD v4.1: 6 of 1,565,492 alleles (0.00038%); highest among the groups gnomAD compares: East Asian, 0.0023%; no homozygotes.

Submission:

Labcorp Genetics (formerly Invitae), Labcorp
Classification: Uncertain significance for Baller-Gerold syndrome. Last evaluated: 2024-03-19. Review status: criteria provided, single submitter. Criteria: Invitae Variant Classification Sherloc (09022015). Collection method: clinical testing. Allele origin: germline.
Comment: This sequence change falls in intron 3 of the RECQL4 gene. It does not directly change the encoded amino acid sequence of the RECQL4 protein. It affects a nucleotide within the consensus splice site. This variant is not present in population databases (gnomAD no frequency). This variant has not been reported in the literature in individuals affected with RECQL4-related conditions. ClinVar contains an entry for this variant (Variation ID: 529087). Variants that disrupt the consensus splice site are a relatively common cause of aberrant splicing (PMID: 17576681, 9536098). Algorithms developed to predict the effect of sequence changes on RNA splicing suggest that this variant is not likely to affect RNA splicing. In summary, the available evidence is currently insufficient to determine the role of this variant in disease. Therefore, it has been classified as a Variant of Uncertain Significance.

Literature cited by the submitters: PubMed 17576681; PubMed 9536098.

NM_004260.4(RECQL4):c.213+6C>T

Gene: RECQL4 (RecQ like helicase 4; minus strand). Cytogenetic location: 8q24.3.
Variant type: single nucleotide variant.
Coding change: c.213+6C>T on transcript NM_004260.4 (MANE Select); 6 bases into the intron after coding-DNA position 213, C replaced by T.
Molecular consequence: intron variant.
Genome position (GRCh38, 1-based): chr8:144,517,408, G>A on the plus strand (C>T on the coding strand, the complement: RECQL4 is on the minus strand). VCF-style: chr8-144517408-G-A. GRCh37 (hg19) VCF-style: chr8-145742792-G-A.
Identifiers: ClinVar variation 529087 (VCV000529087.7), dbSNP rs1554904641, ClinGen allele CA658797180.